The following is an entry in ClinVar:

ClinVar aggregate classification (germline): Benign/Likely benign. Review status: criteria provided, multiple submitters, no conflicts (2 of 4 stars). 3 submissions from 3 submitters: Benign (1); Likely benign (2). Last evaluated 2026-06-25.

Conditions:
TBX21-related disorder. Also called: TBX21-related condition.

Allele frequency attached by ClinVar (database versions not stated): TOPMed 0.00092; gnomAD 0.00111 and 0.00121; ESP Exome Variant Server 0.00123; 1000 Genomes Project 30x 0.00125; ExAC 0.00126; gnomAD exomes 0.00139 and 0.00154; 1000 Genomes Project 0.00160.
gnomAD v4.1: 2,446 of 1,614,216 alleles (0.15%); highest among the groups gnomAD compares: South Asian, 0.3%; 5 homozygotes.

Submissions (3):

PreventionGenetics, part of Exact Sciences
Classification: Likely benign for TBX21-related condition. Last evaluated: 2026-06-25. Review status: criteria provided, single submitter. Criteria: ACMG Guidelines, 2015. Collection method: clinical testing. Allele origin: germline.
Comment: This variant is classified as likely benign based on ACMG/AMP sequence variant interpretation guidelines (Richards et al. 2015 PMID: 25741868, with internal and published modifications).

Blueprint Genetics
Classification: Likely benign. Last evaluated: 2024-11-19. Review status: criteria provided, single submitter. Criteria: ACMG Guidelines, 2015. Collection method: clinical testing. Allele origin: germline.

Labcorp Genetics (formerly Invitae), Labcorp
Classification: Benign. Last evaluated: 2019-12-31. Review status: criteria provided, single submitter. Criteria: Invitae Variant Classification Sherloc (09022015). Collection method: clinical testing. Allele origin: germline.

NM_013351.2(TBX21):c.1509C>T (p.Ser503=)

Gene: TBX21 (T-box transcription factor 21; plus strand). Cytogenetic location: 17q21.32.
Variant type: single nucleotide variant.
Coding change: c.1509C>T on transcript NM_013351.2 (MANE Select); coding-DNA position 1509, C replaced by T.
Protein change: p.Ser503=; no amino-acid change (serine 503 retained).
Molecular consequence: synonymous variant.
Genome position (GRCh38, 1-based): chr17:47,745,267, C>T. VCF-style: chr17-47745267-C-T. GRCh37 (hg19) VCF-style: chr17-45822633-C-T.
Identifiers: ClinVar variation 785822 (VCV000785822.6), dbSNP rs151279999, ClinGen allele CA8626547.